The following is an entry in ClinVar:

NM_000081.4(LYST):c.11312G>A (p.Ser3771Asn)

Gene: LYST (lysosomal trafficking regulator; minus strand). Cytogenetic location: 1q42.3.
Variant type: single nucleotide variant.
Coding change: c.11312G>A on transcript NM_000081.4 (MANE Select); coding-DNA position 11312, G replaced by A.
Protein change: p.Ser3771Asn; replaces serine 3771 with asparagine.
Molecular consequence: missense variant.
Genome position (GRCh38, 1-based): chr1:235,663,034, C>T on the plus strand (G>A on the coding strand, the complement: LYST is on the minus strand). VCF-style: chr1-235663034-C-T. GRCh37 (hg19) VCF-style: chr1-235826334-C-T.
Other names: c.11312G>A, p.Ser3771Asn (NM_001301365.1); short protein forms S3771N.
Identifiers: ClinVar variation 1985607 (VCV001985607.4), dbSNP rs2527065767, ClinGen allele CA344984274.

ClinVar aggregate classification (germline): Uncertain significance (1 of 4 stars; one submission).

Conditions:
Chédiak-Higashi syndrome (CHS). Also called: Chediak-Higashi Syndrome. Identifiers: Orphanet 167, MedGen C0007965, MONDO:0008963, OMIM 214500.

Submission:

Labcorp Genetics (formerly Invitae), Labcorp
Classification: Uncertain significance for Chédiak-Higashi syndrome. Last evaluated: 2022-10-17. Review status: criteria provided, single submitter. Criteria: Invitae Variant Classification Sherloc (09022015). Collection method: clinical testing. Allele origin: germline.
Comment: This sequence change replaces serine, which is neutral and polar, with asparagine, which is neutral and polar, at codon 3771 of the LYST protein (p.Ser3771Asn). This variant is not present in population databases (gnomAD no frequency). This variant has not been reported in the literature in individuals affected with LYST-related conditions. Advanced modeling of protein sequence and biophysical properties (such as structural, functional, and spatial information, amino acid conservation, physicochemical variation, residue mobility, and thermodynamic stability) performed at Invitae indicates that this missense variant is not expected to disrupt LYST protein function. In summary, the available evidence is currently insufficient to determine the role of this variant in disease. Therefore, it has been classified as a Variant of Uncertain Significance.